The following is an entry in ClinVar:

NM_006514.4(SCN10A):c.3507+6G>A

Genes: SCN10A (sodium voltage-gated channel alpha subunit 10; minus strand), LOC110121288 (VISTA enhancer hs2268; plus strand). Cytogenetic location: 3p22.2.
Variant type: single nucleotide variant.
Coding change: c.3507+6G>A on transcript NM_006514.4 (MANE Select); 6 bases into the intron after coding-DNA position 3507, G replaced by A.
Molecular consequence: intron variant.
Genome position (GRCh38, 1-based): chr3:38,722,252, C>T on the plus strand (G>A on the coding strand, the complement: SCN10A is on the minus strand). VCF-style: chr3-38722252-C-T. GRCh37 (hg19) VCF-style: chr3-38763743-C-T.
Other names: c.3213+6G>A (NM_001293307.2); c.3504+6G>A (NM_001293306.2).
Identifiers: ClinVar variation 3046912 (VCV003046912.2), dbSNP rs1287171838, ClinGen allele CA906862200.

ClinVar aggregate classification (germline): Likely benign (0 of 4 stars; one submission).

Conditions:
SCN10A-related disorder. Also called: SCN10A-related condition.

Allele frequency attached by ClinVar (database versions not stated): gnomAD exomes below 0.00001; TOPMed below 0.00001; gnomAD 0.00001.
gnomAD v4.1: 2 of 1,612,812 alleles (0.00012%); highest among the groups gnomAD compares: Non-Finnish European, 0.00017%; no homozygotes.

Submission:

PreventionGenetics, part of Exact Sciences
Classification: Likely benign for SCN10A-related condition. Last evaluated: 2020-03-23. Review status: no assertion criteria provided. Collection method: clinical testing. Allele origin: germline.
Comment: This variant is classified as likely benign based on ACMG/AMP sequence variant interpretation guidelines (Richards et al. 2015 PMID: 25741868, with internal and published modifications).